The following is an entry in ClinVar:

ClinVar aggregate classification (germline): Likely pathogenic (1 of 4 stars; one submission).

Conditions:
Deficiency of acetyl-CoA acetyltransferase. Also called: 3-KETOTHIOLASE DEFICIENCY; 3-OXOTHIOLASE DEFICIENCY; Beta-ketothiolase deficiency; MITOCHONDRIAL ACETOACETYL-CoA THIOLASE DEFICIENCY. Identifiers: Orphanet 134, MedGen C1536500, MONDO:0008760, OMIM 203750. Disease mechanism: loss of function.

Submission:

Natera, Inc.
Classification: Likely pathogenic for Alpha-methylacetoacetic aciduria. Last evaluated: 2024-12-13. Review status: criteria provided, single submitter. Criteria: Natera Variant Classification Schema (03/2026). Collection method: clinical testing. Allele origin: germline.
Comment: The c.1073del variant in ACAT1 is a frameshift variant predicted to shift the reading frame beginning at codon 358 and leads to a stop codon 4 codons downstream. This variant is expected to result in nonsense mediated decay, truncation, or a dysfunctional protein product. This variant is rare in the general population with a frequency below the threshold expected for the associated phenotype(s). Given the available evidence, this variant is classified as Likely Pathogenic.

NM_000019.4(ACAT1):c.1073del (p.Leu358fs)

Gene: ACAT1 (acetyl-CoA acetyltransferase 1; plus strand). Cytogenetic location: 11q22.3.
Variant type: Deletion.
Coding change: c.1073del on transcript NM_000019.4 (MANE Select); coding-DNA position 1073, one base deleted (T; older notation c.1073delT).
Protein change: p.Leu358fs; shifts the reading frame from leucine 358.
Molecular consequence: frameshift variant. On other transcripts: non-coding transcript variant (2).
Genome position (GRCh38, 1-based): chr11:108,146,269, T deleted. VCF-style (leftmost placement, unchanged base first): chr11-108146268-CT-C. GRCh37 (hg19) VCF-style: chr11-108016995-CT-C.
Other names: c.1073del, p.Leu358fs (NM_001386677.1); c.758del, p.Leu253fs (NM_001386678.1); c.776del, p.Leu259fs (NM_001386679.1); c.803del, p.Leu268fs (NM_001386681.1, NM_001386682.1, NM_001386685.1 and 6 more transcripts); short protein forms L253fs, L259fs, L268fs, L358fs.
Identifiers: ClinVar variation 4817534 (VCV004817534.1).